The following is an entry in ClinVar:

ClinVar aggregate classification (germline): Uncertain significance. Review status: criteria provided, multiple submitters, no conflicts (2 of 4 stars). 2 submissions from 2 submitters: Uncertain significance (2). Last evaluated 2025-04-22.

Submissions (2):

Labcorp Genetics (formerly Invitae), Labcorp
Classification: Uncertain significance. Last evaluated: 2025-04-22. Review status: criteria provided, single submitter. Criteria: Invitae Variant Classification Sherloc (09022015). Collection method: clinical testing. Allele origin: germline.
Comment: This variant, c.7635_7637del, results in the deletion of 1 amino acid(s) of the CHD8 protein (p.Glu2545del), but otherwise preserves the integrity of the reading frame. This variant is present in population databases (rs778470457, gnomAD 0.04%). This variant has not been reported in the literature in individuals affected with CHD8-related conditions. ClinVar contains an entry for this variant (Variation ID: 1902498). Experimental studies and prediction algorithms are not available or were not evaluated, and the functional significance of this variant is currently unknown. In summary, the available evidence is currently insufficient to determine the role of this variant in disease. Therefore, it has been classified as a Variant of Uncertain Significance.

GeneDx
Classification: Uncertain significance. Last evaluated: 2022-10-03. Review status: criteria provided, single submitter. Criteria: GeneDx Variant Classification Process June 2021. Collection method: clinical testing. Allele origin: germline. Affected: yes.
Comment: In-frame deletion of 1 amino acid in a non-repeat region; In silico analysis supports that this variant does not alter protein structure/function; Has not been previously published as pathogenic or benign to our knowledge

NM_001170629.2(CHD8):c.7632AGA[1] (p.Glu2545del)

Gene: CHD8 (chromodomain helicase DNA binding protein 8; minus strand). Cytogenetic location: 14q11.2.
Variant type: Microsatellite.
Coding change: c.7632AGA[1] on transcript NM_001170629.2 (MANE Select); one copy of the 3-base unit AGA starting at c.7632; the reference has two copies in a row; one copy, 3 bases deleted; also written c.7635_7637del.
Protein change: p.Glu2545del; deletes glutamic acid 2545.
Molecular consequence: inframe deletion.
Genome position (GRCh38, 1-based): chr14:21,385,722-21,385,724, TCT deleted on the plus strand (AGA on the coding strand, the reverse complement: CHD8 is on the minus strand); deleting any 3 consecutive bases within chr14:21,385,722-21,385,729 gives the same sequence; the position shown is the placement nearest the transcript's 3' end. VCF-style (leftmost placement, unchanged base first): chr14-21385721-ATCT-A. GRCh37 (hg19) VCF-style: chr14-21853880-ATCT-A.
Other names: c.7635_7637del (NM_001170629.1); c.6795AGA[1], p.Glu2266del (NM_020920.4); short protein forms E2266del, E2545del.
Identifiers: ClinVar variation 1902498 (VCV001902498.5), dbSNP rs778470457, ClinGen allele CA7090523.